The following is an entry in ClinVar:

NM_002474.3(MYH11):c.1037T>C (p.Ile346Thr)

Gene: MYH11 (myosin heavy chain 11; minus strand). Cytogenetic location: 16p13.11.
Variant type: single nucleotide variant.
Coding change: c.1037T>C on transcript NM_002474.3 (MANE Select); coding-DNA position 1037, T replaced by C.
Protein change: p.Ile346Thr; replaces isoleucine 346 with threonine.
Molecular consequence: missense variant.
Genome position (GRCh38, 1-based): chr16:15,763,888, A>G on the plus strand (T>C on the coding strand, the complement: MYH11 is on the minus strand). VCF-style: chr16-15763888-A-G. GRCh37 (hg19) VCF-style: chr16-15857745-A-G.
Other names: p.I346T:ATA>ACA; c.1058T>C, p.Ile353Thr (NM_001040113.2, NM_001040114.2); c.1037T>C, p.Ile346Thr (NM_022844.3); short protein forms I346T, I353T.
Identifiers: ClinVar variation 201106 (VCV000201106.22), dbSNP rs794728675, ClinGen allele CA306659.

ClinVar aggregate classification (germline): Uncertain significance. Review status: criteria provided, multiple submitters, no conflicts (2 of 4 stars). 6 submissions from 6 submitters: Uncertain significance (6). Last evaluated 2025-09-14.

Conditions:
Familial thoracic aortic aneurysm and aortic dissection (TAAD). Also called: Thoracic aortic aneurysms and dissections. Identifiers: Orphanet 91387, MedGen C4707243, MONDO:0019625.
Aortic aneurysm, familial thoracic 4 (AAT4). Also called: AORTIC ANEURYSM/AORTIC DISSECTION AND PATENT DUCTUS ARTERIOSUS. Identifiers: MedGen C1851504, MONDO:0007568, OMIM 132900.

Allele frequency attached by ClinVar (database versions not stated): gnomAD 0.00002; gnomAD exomes 0.00002 and 0.00003; TOPMed 0.00002.
gnomAD v4.1: 43 of 1,611,850 alleles (0.0027%); highest among the groups gnomAD compares: Non-Finnish European, 0.0034%; no homozygotes.

Submissions (6):

Labcorp Genetics (formerly Invitae), Labcorp
Classification: Uncertain significance for Aortic aneurysm, familial thoracic 4. Last evaluated: 2025-09-14. Review status: criteria provided, single submitter. Criteria: Invitae Variant Classification Sherloc (09022015). Collection method: clinical testing. Allele origin: germline.
Comment: This sequence change replaces isoleucine, which is neutral and non-polar, with threonine, which is neutral and polar, at codon 353 of the MYH11 protein (p.Ile353Thr). This variant is present in population databases (rs794728675, gnomAD 0.003%). This variant has not been reported in the literature in individuals affected with MYH11-related conditions. ClinVar contains an entry for this variant (Variation ID: 201106). Invitae Evidence Modeling of protein sequence and biophysical properties (such as structural, functional, and spatial information, amino acid conservation, physicochemical variation, residue mobility, and thermodynamic stability) indicates that this missense variant is not expected to disrupt MYH11 protein function with a negative predictive value of 95%. In summary, the available evidence is currently insufficient to determine the role of this variant in disease. Therefore, it has been classified as a Variant of Uncertain Significance.

Ambry Genetics
Classification: Uncertain significance for Familial thoracic aortic aneurysm and aortic dissection. Last evaluated: 2024-11-19. Review status: criteria provided, single submitter. Criteria: Ambry Variant Classification Scheme 2023. Collection method: clinical testing. Allele origin: germline.
Comment: The p.I346T variant (also known as c.1037T>C), located in coding exon 9 of the MYH11 gene, results from a T to C substitution at nucleotide position 1037. The isoleucine at codon 346 is replaced by threonine, an amino acid with similar properties. This amino acid position is not well conserved in available vertebrate species. In addition, the in silico prediction for this alteration is inconclusive. Since supporting evidence is limited at this time, the clinical significance of this alteration remains unclear.

GeneDx
Classification: Uncertain significance. Last evaluated: 2024-05-02. Review status: criteria provided, single submitter. Criteria: GeneDx Variant Classification Process June 2021. Collection method: clinical testing. Allele origin: germline. Affected: yes.
Comment: Has not been previously published as pathogenic or benign to our knowledge; Not observed at significant frequency in large population cohorts (gnomAD); In silico analysis supports that this missense variant has a deleterious effect on protein structure/function

Color Diagnostics, LLC DBA Color Health
Classification: Uncertain significance for Familial thoracic aortic aneurysm and aortic dissection. Last evaluated: 2024-03-06. Review status: criteria provided, single submitter. Criteria: ACMG Guidelines, 2015. Collection method: clinical testing. Allele origin: germline.
Comment: This missense variant replaces isoleucine with threonine at codon 353 of the MYH11 protein. Computational prediction suggests that this variant may have a deleterious impact on protein structure and function (internally defined REVEL score threshold >= 0.7, PMID: 27666373). To our knowledge, functional studies have not been reported for this variant. This variant has not been reported in individuals affected with MYH11-related disorders in the literature. This variant has been identified in 5/282526 chromosomes in the general population by the Genome Aggregation Database (gnomAD). The available evidence is insufficient to determine the role of this variant in disease conclusively. Therefore, this variant is classified as a Variant of Uncertain Significance.

AiLife Diagnostics
Classification: Uncertain significance. Last evaluated: 2022-02-22. Review status: criteria provided, single submitter. Criteria: ACMG Guidelines, 2015. Collection method: clinical testing. Allele origin: germline. Affected: yes. Observed: 2 variant alleles.

Illumina Laboratory Services, Illumina
Classification: Uncertain significance for Aortic aneurysm, familial thoracic 4. Last evaluated: 2017-04-27. Review status: criteria provided, single submitter. Criteria: ICSL Variant Classification Criteria 13 December 2019. Collection method: clinical testing. Allele origin: germline.